The following is an entry in ClinVar:

NM_005228.5(EGFR):c.1975G>T (p.Val659Leu)

Gene: EGFR (epidermal growth factor receptor; plus strand). Cytogenetic location: 7p11.2.
Variant type: single nucleotide variant.
Coding change: c.1975G>T on transcript NM_005228.5 (MANE Select); coding-DNA position 1975, G replaced by T.
Protein change: p.Val659Leu; replaces valine 659 with leucine.
Molecular consequence: missense variant.
Genome position (GRCh38, 1-based): chr7:55,173,038, G>T. VCF-style: chr7-55173038-G-T. GRCh37 (hg19) VCF-style: chr7-55240731-G-T.
Other names: c.1840G>T, p.Val614Leu (NM_001346897.2, NM_001346899.2); c.1975G>T, p.Val659Leu (NM_001346898.2); c.1816G>T, p.Val606Leu (NM_001346900.2); c.1174G>T, p.Val392Leu (NM_001346941.2); short protein forms V392L, V614L, V659L, V606L.
Identifiers: ClinVar variation 4693203 (VCV004693203.1).
Genomic context (GRCh38, chr7:55,173,038, plus strand): 5'-TCCAGGCCTAAGATCCCGTCCATCGCCACTGGGATGGTGGGGGCCCTCCTCTTGCTGCTG[G>T]TGGTGGCCCTGGGGATCGGCCTCTTCATGCGAAGGCGCCACATCGTTCGGAAGCGCACGC-3'
Protein context (NP_005219.2, residues 649-669): GMVGALLLLL[Val659Leu]VALGIGLFMR

ClinVar aggregate classification (germline): Uncertain significance (1 of 4 stars; one submission).

Conditions:
EGFR-related lung cancer (EGFR). Identifiers: MedGen CN130014.

Submission:

Labcorp Genetics (formerly Invitae), Labcorp
Classification: Uncertain significance for EGFR-related lung cancer. Last evaluated: 2025-05-14. Review status: criteria provided, single submitter. Criteria: Invitae Variant Classification Sherloc (09022015). Collection method: clinical testing. Allele origin: germline.
Comment: This sequence change replaces valine, which is neutral and non-polar, with leucine, which is neutral and non-polar, at codon 659 of the EGFR protein (p.Val659Leu). This variant is not present in population databases (gnomAD no frequency). This variant has not been reported in the literature in individuals affected with EGFR-related conditions. Invitae Evidence Modeling of protein sequence and biophysical properties (such as structural, functional, and spatial information, amino acid conservation, physicochemical variation, residue mobility, and thermodynamic stability) indicates that this missense variant is not expected to disrupt EGFR protein function with a negative predictive value of 80%. In summary, the available evidence is currently insufficient to determine the role of this variant in disease. Therefore, it has been classified as a Variant of Uncertain Significance.